The following is an entry in ClinVar:

NM_015450.3(POT1):c.1207G>A (p.Asp403Asn)

Gene: POT1 (protection of telomeres 1; minus strand). Cytogenetic location: 7q31.33.
Variant type: single nucleotide variant.
Coding change: c.1207G>A on transcript NM_015450.3 (MANE Select); coding-DNA position 1207, G replaced by A.
Protein change: p.Asp403Asn; replaces aspartic acid 403 with asparagine.
Molecular consequence: missense variant. On other transcripts: non-coding transcript variant (3).
Genome position (GRCh38, 1-based): chr7:124,841,135, C>T on the plus strand (G>A on the coding strand, the complement: POT1 is on the minus strand). VCF-style: chr7-124841135-C-T. GRCh37 (hg19) VCF-style: chr7-124481189-C-T.
Other names: c.814G>A, p.Asp272Asn (NM_001042594.2); short protein forms D272N, D403N.
Identifiers: ClinVar variation 971601 (VCV000971601.11), dbSNP rs866261185, ClinGen allele CA369067617.

ClinVar aggregate classification (germline): Conflicting classifications of pathogenicity. Review status: criteria provided, conflicting classifications (1 of 4 stars). 2 submissions from 2 submitters: Uncertain significance (1); Likely benign (1). Last evaluated 2026-07-23.

Conditions:
Tumor predisposition syndrome 3 (TPDS3). Also called: Glioma susceptibility 9; LONG TELOMERE SYNDROME, POT1-RELATED; POT1 Tumor Predisposition; Melanoma, cutaneous malignant, susceptibility to, 10. Identifiers: Orphanet 618, MedGen C4014476, MONDO:0014368, OMIM 615848.
Hereditary cancer-predisposing syndrome. Also called: Tumor predisposition; Hereditary Cancer Syndrome; Hereditary neoplastic syndrome; Neoplastic Syndromes, Hereditary. Identifiers: Orphanet 140162, MedGen C0027672, MeSH D009386, MONDO:0015356.

gnomAD v4.1: 3 of 1,612,650 alleles (0.00019%); highest among the groups gnomAD compares: Non-Finnish European, 0.00017%; no homozygotes.

Submissions (2):

Ambry Genetics
Classification: Likely benign for Hereditary cancer-predisposing syndrome. Last evaluated: 2026-07-23. Review status: criteria provided, single submitter. Criteria: Ambry Variant Classification Scheme 2023. Collection method: clinical testing. Allele origin: germline.

Labcorp Genetics (formerly Invitae), Labcorp
Classification: Uncertain significance for Tumor predisposition syndrome 3. Last evaluated: 2024-09-08. Review status: criteria provided, single submitter. Criteria: Invitae Variant Classification Sherloc (09022015). Collection method: clinical testing. Allele origin: germline.
Comment: This sequence change replaces aspartic acid, which is acidic and polar, with asparagine, which is neutral and polar, at codon 403 of the POT1 protein (p.Asp403Asn). This variant is not present in population databases (gnomAD no frequency). This variant has not been reported in the literature in individuals affected with POT1-related conditions. ClinVar contains an entry for this variant (Variation ID: 971601). Invitae Evidence Modeling of protein sequence and biophysical properties (such as structural, functional, and spatial information, amino acid conservation, physicochemical variation, residue mobility, and thermodynamic stability) indicates that this missense variant is not expected to disrupt POT1 protein function with a negative predictive value of 80%. In summary, the available evidence is currently insufficient to determine the role of this variant in disease. Therefore, it has been classified as a Variant of Uncertain Significance.